The following is an entry in ClinVar:

NM_000213.5(ITGB4):c.1201C>T (p.Arg401Trp)

Gene: ITGB4 (integrin subunit beta 4; plus strand). Cytogenetic location: 17q25.1.
Variant type: single nucleotide variant.
Coding change: c.1201C>T on transcript NM_000213.5 (MANE Select); coding-DNA position 1201, C replaced by T.
Protein change: p.Arg401Trp; replaces arginine 401 with tryptophan.
Molecular consequence: missense variant.
Genome position (GRCh38, 1-based): chr17:75,731,354, C>T. VCF-style: chr17-75731354-C-T. GRCh37 (hg19) VCF-style: chr17-73727435-C-T.
Other names: c.1201C>T (NM_001005731.2); c.1201C>T, p.Arg401Trp (NM_001005619.2, NM_001005731.3, NM_001321123.2); short protein forms R401W.
Identifiers: ClinVar variation 325135 (VCV000325135.13), dbSNP rs200122430, ClinGen allele CA8768901.

ClinVar aggregate classification (germline): Uncertain significance. Review status: criteria provided, multiple submitters, no conflicts (2 of 4 stars). 6 submissions from 6 submitters: Uncertain significance (6). Last evaluated 2025-11-08.

Conditions:
Junctional epidermolysis bullosa with pyloric atresia. Also called: ITGB4-Related Epidermolysis Bullosa with Pyloric Atresia; ITGA6-Related Epidermolysis Bullosa with Pyloric Atresia; EPIDERMOLYSIS BULLOSA, JUNCTIONAL 5B, WITH PYLORIC ATRESIA; APLASIA CUTIS CONGENITA WITH GASTROINTESTINAL ATRESIA; CARMI SYNDROME; EB-PA-ACC. Identifiers: Orphanet 79403, MedGen C5676875, MONDO:0009183, OMIM 226730.
Epidermolysis bullosa, junctional 5A, intermediate. Also called: EPIDERMOLYSIS BULLOSA, JUNCTIONAL 5A, GENERALIZED INTERMEDIATE; EPIDERMOLYSIS BULLOSA, JUNCTIONAL 5A, NON-HERLITZ TYPE. Identifiers: MedGen C5676956, MONDO:0030768, OMIM 619816.
Inborn genetic diseases. Identifiers: MedGen C0950123, MeSH D030342.

Allele frequency attached by ClinVar (database versions not stated): TOPMed 0.00010; gnomAD 0.00011 and 0.00012; ExAC 0.00014; gnomAD exomes 0.00014; ESP Exome Variant Server 0.00015; 1000 Genomes Project 30x 0.00016; 1000 Genomes Project 0.00020.
gnomAD v4.1: 255 of 1,611,374 alleles (0.016%); highest among the groups gnomAD compares: Middle Eastern, 0.25%; no homozygotes.

Submissions (6):

Ambry Genetics
Classification: Uncertain significance for Inborn genetic diseases. Last evaluated: 2025-11-08. Review status: criteria provided, single submitter. Criteria: Ambry Variant Classification Scheme 2023. Collection method: clinical testing. Allele origin: germline.

GeneDx
Classification: Uncertain significance. Last evaluated: 2022-06-20. Review status: criteria provided, single submitter. Criteria: GeneDx Variant Classification Process June 2021. Collection method: clinical testing. Allele origin: germline. Affected: yes.
Comment: Has not been previously published as pathogenic or benign to our knowledge; In silico analysis supports that this missense variant has a deleterious effect on protein structure/function

MGZ Medical Genetics Center
Classification: Uncertain significance for Junctional epidermolysis bullosa with pyloric atresia. Last evaluated: 2022-04-25. Review status: criteria provided, single submitter. Criteria: ACMG Guidelines, 2015. Collection method: clinical testing. Allele origin: germline. Affected: yes. Observed: 2 variant alleles.
Comment: ACMG criteria applied: PM1, PM2_SUP, PP3, BS2

Fulgent Genetics
Classification: Uncertain significance for Junctional epidermolysis bullosa with pyloric atresia; Epidermolysis bullosa, junctional 5A, intermediate. Last evaluated: 2021-07-06. Review status: criteria provided, single submitter. Criteria: ACMG Guidelines, 2015. Collection method: clinical testing. Allele origin: unknown.

Illumina Laboratory Services, Illumina
Classification: Uncertain significance for Junctional epidermolysis bullosa with pyloric atresia. Last evaluated: 2018-01-13. Review status: criteria provided, single submitter. Criteria: ICSL Variant Classification Criteria 13 December 2019. Collection method: clinical testing. Allele origin: germline.

Breakthrough Genomics
Classification: Uncertain significance. Review status: criteria provided, single submitter. Criteria: ACMG Guidelines, 2015. Collection method: not provided. Allele origin: germline. Inheritance: Autosomal recessive inheritance. Affected: yes.